The following is an entry in ClinVar:

NM_199420.4(POLQ):c.5698G>T (p.Val1900Leu)

Gene: POLQ (DNA polymerase theta; minus strand). Cytogenetic location: 3q13.33.
Variant type: single nucleotide variant.
Coding change: c.5698G>T on transcript NM_199420.4 (MANE Select); coding-DNA position 5698, G replaced by T.
Protein change: p.Val1900Leu; replaces valine 1900 with leucine.
Molecular consequence: missense variant.
Genome position (GRCh38, 1-based): chr3:121,485,116, C>A on the plus strand (G>T on the coding strand, the complement: POLQ is on the minus strand). VCF-style: chr3-121485116-C-A. GRCh37 (hg19) VCF-style: chr3-121203963-C-A.
Other names: short protein forms V1900L.
Identifiers: ClinVar variation 1749116 (VCV001749116.3), dbSNP rs1181034225, ClinGen allele CA354089171.
Genomic context (GRCh38, chr3:121,485,116, plus strand): 5'-CCTTCTGCAGTGAAAAATAATAGGCATCCCTTCCACCCCAGCATACTGCCAGTCCAACCA[C>A]CAAGGTGTCATCACAACCTTTAATGGGAAATCCATCATCTCTAATAGGAATTTCCTGAGG-3'
Protein context (NP_955452.3, residues 1890-1910): FPIKGCDDTL[Val1900Leu]VGLAVCWGGR

ClinVar aggregate classification (germline): Uncertain significance (1 of 4 stars; one submission).

gnomAD v4.1: 3 of 1,611,444 alleles (0.00019%); highest among the groups gnomAD compares: Middle Eastern, 0.05%; no homozygotes.

Submission:

Ambry Genetics
Classification: Uncertain significance. Last evaluated: 2024-05-26. Review status: criteria provided, single submitter. Criteria: Ambry Variant Classification Scheme 2023. Collection method: clinical testing. Allele origin: germline.
Comment: The p.V1900L variant (also known as c.5698G>T), located in coding exon 17 of the POLQ gene, results from a G to T substitution at nucleotide position 5698. The valine at codon 1900 is replaced by leucine, an amino acid with highly similar properties. This amino acid position is conserved. In addition, this alteration is predicted to be tolerated by in silico analysis. Since supporting evidence is limited at this time, the clinical significance of this alteration remains unclear.